The following is an entry in ClinVar:

ClinVar aggregate classification (germline): Uncertain significance (1 of 4 stars; one submission).

Conditions:
Neuromuscular disease. Also called: Neuromuscular disorder; Neuromyopathy. Identifiers: Orphanet 68381, MedGen C0027868, MeSH D009468, MONDO:0019056.

Submission:

Broad Center for Mendelian Genomics, Broad Institute of MIT and Harvard
Classification: Uncertain significance for Neuromuscular disease. Last evaluated: 2024-11-22. Review status: criteria provided, single submitter. Criteria: ACMG Guidelines, 2015. Collection method: curation. Allele origin: germline. Inheritance: Autosomal recessive inheritance. Study: GREGoR Consortium.
Comment: While this gene is still lacking sufficient evidence to establish a gene-disease relationship, we believe this is a possible novel gene candidate for neuromuscular disease. Given the limited information about this gene-disease relationship, the significance of the p.Ala2093Val variant is uncertain. If you have any additional information about functional evidence or other individuals with this phenotype that also have variants in MYO7B we encourage you to reach out to us.

NM_001393586.1(MYO7B):c.6278C>T (p.Ala2093Val)

Gene: MYO7B (myosin VIIB; plus strand). Cytogenetic location: 2q14.3.
Variant type: single nucleotide variant.
Coding change: c.6278C>T on transcript NM_001393586.1 (MANE Select); coding-DNA position 6278, C replaced by T.
Protein change: p.Ala2093Val; replaces alanine 2093 with valine.
Molecular consequence: missense variant.
Genome position (GRCh38, 1-based): chr2:127,636,864, C>T. VCF-style: chr2-127636864-C-T. GRCh37 (hg19) VCF-style: chr2-128394439-C-T.
Other names: NM_001393594.1:c.2759C>T; c.6200C>T, p.Ala2067Val (NM_001080527.2); c.2759C>T, p.Ala920Val (NM_001393594.1); short protein forms A2067V, A2093V, A920V.
Identifiers: ClinVar variation 3383284 (VCV003383284.1).
Genomic context (GRCh38, chr2:127,636,864, plus strand): 5'-CCACCTATCCCTTCACCAAGATCTCCAGCTGGAGCAGCGGCAGCACCTACTTCCACATGG[C>T]GCTGGGGAGCCTGGGCCGTGGCAGCCGCCTGCTGTGCGAGACCTCCCTGGTGAGCTCAGG-3'
Protein context (NP_001380515.1, residues 2083-2103): WSSGSTYFHM[Ala2093Val]LGSLGRGSRL